The following is an entry in ClinVar:

ClinVar aggregate classification (germline): Likely benign (1 of 4 stars; one submission).

Submission:

CeGaT Center for Human Genetics Tuebingen
Classification: Likely benign. Last evaluated: 2024-02-01. Review status: criteria provided, single submitter. Criteria: CeGaT Center For Human Genetics Tuebingen Variant Classification Criteria Version 2. Collection method: clinical testing. Allele origin: germline. Affected: yes. Observed: 2 variant alleles.
Comment: CAMK2A: PM2:Supporting, BP4, BP7

NM_015981.4(CAMK2A):c.240A>C (p.Ser80=)

Gene: CAMK2A (calcium/calmodulin dependent protein kinase II alpha; minus strand). Cytogenetic location: 5q32.
Variant type: single nucleotide variant.
Coding change: c.240A>C on transcript NM_015981.4 (MANE Select); coding-DNA position 240, A replaced by C.
Protein change: p.Ser80=; no amino-acid change (serine 80 retained).
Molecular consequence: synonymous variant.
Genome position (GRCh38, 1-based): chr5:150,257,595, T>G on the plus strand (A>C on the coding strand, the complement: CAMK2A is on the minus strand). VCF-style: chr5-150257595-T-G. GRCh37 (hg19) VCF-style: chr5-149637158-T-G.
Other names: c.240A>C, p.Ser80= (NM_001363989.1, NM_001363990.1, NM_001369025.2 and 1 more transcripts).
Identifiers: ClinVar variation 3025603 (VCV003025603.22), dbSNP rs770876692, ClinGen allele CA447152622.